The following is an entry in ClinVar:

NM_002662.5(PLD1):c.494G>A (p.Arg165His)

Gene: PLD1 (phospholipase D1; minus strand). Cytogenetic location: 3q26.31.
Variant type: single nucleotide variant.
Coding change: c.494G>A on transcript NM_002662.5 (MANE Select); coding-DNA position 494, G replaced by A.
Protein change: p.Arg165His; replaces arginine 165 with histidine.
Molecular consequence: missense variant.
Genome position (GRCh38, 1-based): chr3:171,734,911, C>T on the plus strand (G>A on the coding strand, the complement: PLD1 is on the minus strand). VCF-style: chr3-171734911-C-T. GRCh37 (hg19) VCF-style: chr3-171452701-C-T.
Other names: c.494G>A, p.Arg165His (NM_001130081.3); short protein forms R165H.
Identifiers: ClinVar variation 773452 (VCV000773452.17), dbSNP rs148972595, ClinGen allele CA2704943.

ClinVar aggregate classification (germline): Benign/Likely benign. Review status: criteria provided, multiple submitters, no conflicts (2 of 4 stars). 4 submissions from 4 submitters: Benign (1); Likely benign (3). Last evaluated 2026-01-01.

Allele frequency attached by ClinVar (database versions not stated): 1000 Genomes Project 0.00240; ExAC 0.00252; gnomAD exomes 0.00265 and 0.00336; gnomAD 0.00272 and 0.00278; 1000 Genomes Project 30x 0.00281; TOPMed 0.00291; ESP Exome Variant Server 0.00323.
gnomAD v4.1: 5,326 of 1,613,194 alleles (0.33%); highest among the groups gnomAD compares: Non-Finnish European, 0.38%; 15 homozygotes.

Submissions (4):

CeGaT Center for Human Genetics Tuebingen
Classification: Benign. Last evaluated: 2026-01-01. Review status: criteria provided, single submitter. Criteria: CeGaT Center For Human Genetics Tuebingen Variant Classification Criteria Version 2. Collection method: clinical testing. Allele origin: germline. Affected: yes. Observed: 2 variant alleles.
Comment: PLD1: BP4, BS1, BS2

Labcorp Genetics (formerly Invitae), Labcorp
Classification: Likely benign. Last evaluated: 2025-12-21. Review status: criteria provided, single submitter. Criteria: Invitae Variant Classification Sherloc (09022015). Collection method: clinical testing. Allele origin: germline.

Blueprint Genetics
Classification: Likely benign. Last evaluated: 2024-11-20. Review status: criteria provided, single submitter. Criteria: ACMG Guidelines, 2015. Collection method: clinical testing. Allele origin: germline.

Breakthrough Genomics
Classification: Likely benign. Review status: criteria provided, single submitter. Criteria: ACMG Guidelines, 2015. Collection method: not provided. Allele origin: germline. Inheritance: Autosomal recessive inheritance. Affected: yes.